The following is an entry in ClinVar:

NM_015087.5(SPART):c.482T>C (p.Leu161Ser)

Gene: SPART (spartin; minus strand). Cytogenetic location: 13q13.3.
Variant type: single nucleotide variant.
Coding change: c.482T>C on transcript NM_015087.5 (MANE Select); coding-DNA position 482, T replaced by C.
Protein change: p.Leu161Ser; replaces leucine 161 with serine.
Molecular consequence: missense variant.
Genome position (GRCh38, 1-based): chr13:36,335,349, A>G on the plus strand (T>C on the coding strand, the complement: SPART is on the minus strand). VCF-style: chr13-36335349-A-G. GRCh37 (hg19) VCF-style: chr13-36909486-A-G.
Other names: c.482T>C, p.Leu161Ser (NM_001142294.2, NM_001142295.2, NM_001142296.2); short protein forms L161S.
Identifiers: ClinVar variation 1918490 (VCV001918490.5), dbSNP rs372503917, ClinGen allele CA6949631.

ClinVar aggregate classification (germline): Uncertain significance (1 of 4 stars; one submission).

Allele frequency attached by ClinVar (database versions not stated): gnomAD exomes below 0.00001; TOPMed below 0.00001; ExAC 0.00001; gnomAD 0.00001; ESP Exome Variant Server 0.00008.
gnomAD v4.1: 3 of 1,613,954 alleles (0.00019%); highest among the groups gnomAD compares: African/African-American, 0.0027%; no homozygotes.

Submission:

Labcorp Genetics (formerly Invitae), Labcorp
Classification: Uncertain significance. Last evaluated: 2022-04-24. Review status: criteria provided, single submitter. Criteria: Invitae Variant Classification Sherloc (09022015). Collection method: clinical testing. Allele origin: germline.
Comment: In summary, the available evidence is currently insufficient to determine the role of this variant in disease. Therefore, it has been classified as a Variant of Uncertain Significance. Algorithms developed to predict the effect of missense changes on protein structure and function output the following: SIFT: "Tolerated"; PolyPhen-2: "Benign"; Align-GVGD: "Class C0". The serine amino acid residue is found in multiple mammalian species, which suggests that this missense change does not adversely affect protein function. This variant has not been reported in the literature in individuals affected with SPART-related conditions. This variant is present in population databases (rs372503917, gnomAD 0.007%). This sequence change replaces leucine, which is neutral and non-polar, with serine, which is neutral and polar, at codon 161 of the SPART protein (p.Leu161Ser).